The following is an entry in ClinVar:

NM_001289808.2(CRYAB):c.104C>T (p.Ser35Phe)

Gene: CRYAB (crystallin alpha B; minus strand). Cytogenetic location: 11q23.1.
Variant type: single nucleotide variant.
Coding change: c.104C>T on transcript NM_001289808.2 (MANE Select); coding-DNA position 104, C replaced by T.
Protein change: p.Ser35Phe; replaces serine 35 with phenylalanine.
Molecular consequence: missense variant.
Genome position (GRCh38, 1-based): chr11:111,911,621, G>A on the plus strand (C>T on the coding strand, the complement: CRYAB is on the minus strand). VCF-style: chr11-111911621-G-A. GRCh37 (hg19) VCF-style: chr11-111782345-G-A.
Other names: c.104C>T, p.Ser35Phe (NM_001289807.1, NM_001368245.1, NM_001885.3); short protein forms S35F.
Identifiers: ClinVar variation 1019020 (VCV001019020.8), dbSNP rs1555165569, ClinGen allele CA382600643.

ClinVar aggregate classification (germline): Uncertain significance (1 of 4 stars; one submission).

Conditions:
Dilated cardiomyopathy 1II (CMD1II). Identifiers: Orphanet 154, MedGen C3554649, MONDO:0014073, OMIM 615184.

Allele frequency attached by ClinVar (database versions not stated): gnomAD exomes below 0.00001.

Submission:

Labcorp Genetics (formerly Invitae), Labcorp
Classification: Uncertain significance for Dilated cardiomyopathy 1II. Last evaluated: 2022-02-03. Review status: criteria provided, single submitter. Criteria: Invitae Variant Classification Sherloc (09022015). Collection method: clinical testing. Allele origin: germline.
Comment: This sequence change replaces serine, which is neutral and polar, with phenylalanine, which is neutral and non-polar, at codon 35 of the CRYAB protein (p.Ser35Phe). The frequency data for this variant in the population databases is considered unreliable, as metrics indicate poor data quality at this position in the gnomAD database. This variant has not been reported in the literature in individuals affected with CRYAB-related conditions. ClinVar contains an entry for this variant (Variation ID: 1019020). Algorithms developed to predict the effect of missense changes on protein structure and function (SIFT, PolyPhen-2, Align-GVGD) all suggest that this variant is likely to be tolerated. In summary, the available evidence is currently insufficient to determine the role of this variant in disease. Therefore, it has been classified as a Variant of Uncertain Significance.